The following is an entry in ClinVar:

NM_138711.6(PPARG):c.729+72T>C

Genes: PPARG (peroxisome proliferator activated receptor gamma; plus strand), LOC114803475 (PPARG eExon liver enhancer; plus strand). Cytogenetic location: 3p25.2.
Variant type: single nucleotide variant.
Coding change: c.729+72T>C on transcript NM_138711.6 (MANE Select); 72 bases into the intron after coding-DNA position 729, T replaced by C.
Molecular consequence: intron variant. On other transcripts: 3 prime UTR variant (2).
Genome position (GRCh38, 1-based): chr3:12,406,153, T>C. VCF-style: chr3-12406153-T-C. GRCh37 (hg19) VCF-style: chr3-12447652-T-C.
Other names: c.*6T>C (NM_001354668.2, NM_001354670.2); c.729+72T>C (NM_001354666.3, NM_138712.5, NM_005037.7 and 6 more transcripts); c.103-10551T>C (NM_001354669.2); c.653+154T>C (NM_001374266.1); c.819+72T>C (NM_015869.5, NM_001374265.1).
Identifiers: ClinVar variation 4980032 (VCV004980032.1).

ClinVar aggregate classification (germline): Likely benign (1 of 4 stars; one submission).

Conditions:
PPARG-related disorder. Also called: PPARG-related condition; PPARG-related disorders.

gnomAD v4.1: 5 of 1,389,182 alleles (0.00036%); highest among the groups gnomAD compares: African/African-American, 0.0043%; no homozygotes.

Submission:

PreventionGenetics, part of Exact Sciences
Classification: Likely benign for PPARG-related condition. Last evaluated: 2025-05-30. Review status: criteria provided, single submitter. Criteria: ACMG Guidelines, 2015. Collection method: clinical testing. Allele origin: germline.
Comment: This variant is classified as likely benign based on ACMG/AMP sequence variant interpretation guidelines (Richards et al. 2015 PMID: 25741868, with internal and published modifications).